The following is an entry in ClinVar:

ClinVar aggregate classification (germline): Uncertain significance. Review status: criteria provided, multiple submitters, no conflicts (2 of 4 stars). 3 submissions from 3 submitters: Uncertain significance (3). Last evaluated 2025-11-10.

Conditions:
Breast neoplasm. Also called: Neoplasm of breast; Breast tumor; Neoplasm of the breast; Breast Neoplasms. Identifiers: MedGen C1458155, MeSH D001943, MONDO:0021100, HP:0100013. Disease mechanism: gain of function.
Hereditary breast ovarian cancer syndrome. Also called: Hereditary breast and ovarian cancer; BRCA1- and BRCA2-Associated Hereditary Breast and Ovarian Cancer; Hereditary breast and ovarian cancer syndrome; Hereditary breast and ovarian cancer syndrome (HBOC); Breast and ovarian cancer; Hereditary breast and/or ovarian cancer syndrome. Identifiers: Orphanet 145, MedGen C0677776, MeSH D061325, MONDO:0003582. Disease mechanism: loss of function.
Hereditary cancer-predisposing syndrome. Also called: Tumor predisposition; Hereditary neoplastic syndrome; Neoplastic Syndromes, Hereditary; Hereditary Cancer Syndrome. Identifiers: Orphanet 140162, MedGen C0027672, MeSH D009386, MONDO:0015356.

Allele frequency attached by ClinVar (database versions not stated): gnomAD exomes below 0.00001; ExAC 0.00001.
gnomAD v4.1: 1 of 1,609,730 alleles (0.000062%); highest among the groups gnomAD compares: South Asian, 0.0011%; no homozygotes.

Submissions (3):

Labcorp Genetics (formerly Invitae), Labcorp
Classification: Uncertain significance for Hereditary breast ovarian cancer syndrome. Last evaluated: 2025-11-10. Review status: criteria provided, single submitter. Criteria: Invitae Variant Classification Sherloc (09022015). Collection method: clinical testing. Allele origin: germline.
Comment: This sequence change replaces glutamine, which is neutral and polar, with arginine, which is basic and polar, at codon 154 of the BRCA2 protein (p.Gln154Arg). This variant is present in population databases (rs756335278, gnomAD 0.003%). This missense change has been observed in individual(s) with breast and/or ovarian cancer (PMID: 27257965, 30702160). ClinVar contains an entry for this variant (Variation ID: 224453). Invitae Evidence Modeling of protein sequence and biophysical properties (such as structural, functional, and spatial information, amino acid conservation, physicochemical variation, residue mobility, and thermodynamic stability) indicates that this missense variant is not expected to disrupt BRCA2 protein function with a negative predictive value of 95%. In summary, the available evidence is currently insufficient to determine the role of this variant in disease. Therefore, it has been classified as a Variant of Uncertain Significance.

Ambry Genetics
Classification: Uncertain significance for Hereditary cancer-predisposing syndrome. Last evaluated: 2021-01-07. Review status: criteria provided, single submitter. Criteria: Ambry Variant Classification Scheme 2023. Collection method: clinical testing. Allele origin: germline.
Comment: The p.Q154R variant (also known as c.461A>G), located in coding exon 4 of the BRCA2 gene, results from an A to G substitution at nucleotide position 461. The glutamine at codon 154 is replaced by arginine, an amino acid with highly similar properties. This alteration was identified in 1/507 unselected Chinese breast cancer patients (Zhong X et al. PLoS One, 2016 Jun;11:e0156789). This amino acid position is highly conserved in available vertebrate species. In addition, this alteration is predicted to be tolerated by in silico analysis. Since supporting evidence is limited at this time, the clinical significance of this alteration remains unclear.

Laboratory of Molecular Diagnosis of Cancer, West China Hospital, Sichuan University
Classification: Uncertain significance for Breast neoplasm. Last evaluated: 2015-11-01. Review status: criteria provided, single submitter. Criteria: ACMG Guidelines, 2015. Collection method: research. Allele origin: germline. Affected: yes. Observed: 1 variant allele.

Literature cited by the submitters: PubMed 27257965 (cited by 3 submitters); PubMed 30702160 (cited by Labcorp Genetics (formerly Invitae), Labcorp).

NM_000059.4(BRCA2):c.461A>G (p.Gln154Arg)

Gene: BRCA2 (BRCA2 DNA repair associated; plus strand). Cytogenetic location: 13q13.1.
Variant type: single nucleotide variant.
Coding change: c.461A>G on transcript NM_000059.4 (MANE Select); coding-DNA position 461, A replaced by G.
Protein change: p.Gln154Arg; replaces glutamine 154 with arginine.
Molecular consequence: missense variant.
Genome position (GRCh38, 1-based): chr13:32,326,136, A>G. VCF-style: chr13-32326136-A-G. GRCh37 (hg19) VCF-style: chr13-32900273-A-G.
Other names: short protein forms Q154R.
Identifiers: ClinVar variation 224453 (VCV000224453.12), dbSNP rs756335278, ClinGen allele CA6940369.
Genomic context (GRCh38, chr13:32,326,136, plus strand): 5'-AGGGATTTGCTTTGTTTTATTTTAGTCCTGTTGTTCTACAATGTACACATGTAACACCAC[A>G]AAGAGATAAGTCAGGTATGATTAAAAACAATGCTTTTTATTCTTAGAATACTAGAAATGT-3'
Protein context (NP_000050.3, residues 144-164): VVLQCTHVTP[Gln154Arg]RDKSVVCGSL